The following is an entry in ClinVar:

NM_000135.4(FANCA):c.2551C>T (p.Gln851Ter)

Gene: FANCA (FA complementation group A; minus strand). Cytogenetic location: 16q24.3.
Variant type: single nucleotide variant.
Coding change: c.2551C>T on transcript NM_000135.4 (MANE Select); coding-DNA position 2551, C replaced by T.
Protein change: p.Gln851Ter; replaces glutamine 851 with a stop codon.
Molecular consequence: nonsense.
Genome position (GRCh38, 1-based): chr16:89,767,191, G>A on the plus strand (C>T on the coding strand, the complement: FANCA is on the minus strand). VCF-style: chr16-89767191-G-A. GRCh37 (hg19) VCF-style: chr16-89833599-G-A.
Other names: c.2551C>T (NM_000135.3); c.2551C>T, p.Gln851Ter (NM_001286167.3); short protein forms Q851*.
Identifiers: ClinVar variation 1452858 (VCV001452858.8), dbSNP rs1406289451, ClinGen allele CA397440623.
Genomic context (GRCh38, chr16:89,767,191, plus strand): 5'-GTGAACCTACCTTTTTAATAAGGCCTGGAGATAAGCAGCTGCACAAAGTATCTCGTGACT[G>A]GGAAGAAAACTTGCAGAGAGAGTAAGAAATTGCTGCTGTACAAAATCTGAAAACAGAAAT-3'

ClinVar aggregate classification (germline): Pathogenic/Likely pathogenic. Review status: criteria provided, multiple submitters, no conflicts (2 of 4 stars). 3 submissions from 3 submitters: Pathogenic (1); Likely pathogenic (2). Last evaluated 2025-01-01.

Conditions:
FANCA-related disorders.
Fanconi anemia (FA). Also called: Fanconi's anemia. Identifiers: Orphanet 84, MedGen C0015625, MeSH D005199, MONDO:0019391.

gnomAD v4.1: 2 of 1,613,906 alleles (0.00012%); highest among the groups gnomAD compares: Non-Finnish European, 0.00017%; no homozygotes.

Submissions (3):

Natera, Inc.
Classification: Likely pathogenic for Fanconi anemia. Last evaluated: 2025-01-01. Review status: criteria provided, single submitter. Criteria: Natera Variant Classification Schema (03/2026). Collection method: clinical testing. Allele origin: germline.
Comment: The c.2551C>T variant in FANCA is a nonsense variant predicted to introduce a stop codon at amino acid 851. This variant is expected to result in nonsense mediated decay, truncation, or a dysfunctional protein product. This variant is rare in the general population with a frequency below the threshold expected for the associated phenotype(s). Given the available evidence, this variant is classified as Likely Pathogenic.

Labcorp Genetics (formerly Invitae), Labcorp
Classification: Pathogenic for Fanconi anemia. Last evaluated: 2022-10-31. Review status: criteria provided, single submitter. Criteria: Invitae Variant Classification Sherloc (09022015). Collection method: clinical testing. Allele origin: germline.
Comment: This variant is not present in population databases (gnomAD no frequency). For these reasons, this variant has been classified as Pathogenic. ClinVar contains an entry for this variant (Variation ID: 1452858). This variant has not been reported in the literature in individuals affected with FANCA-related conditions. This sequence change creates a premature translational stop signal (p.Gln851*) in the FANCA gene. It is expected to result in an absent or disrupted protein product. Loss-of-function variants in FANCA are known to be pathogenic (PMID: 19367192).

Blueprint Genetics
Classification: Likely pathogenic for FANCA-related disorders. Last evaluated: 2019-02-21. Review status: criteria provided, single submitter. Criteria: ACMG Guidelines, 2015. Collection method: clinical testing. Allele origin: germline. Affected: yes. Observed: 1 variant allele.

Literature cited by the submitters: PubMed 19367192 (cited by Labcorp Genetics (formerly Invitae), Labcorp).